The following is an entry in ClinVar:

NM_198503.5(KCNT2):c.3137G>A (p.Arg1046Lys)

Gene: KCNT2 (potassium sodium-activated channel subfamily T member 2; minus strand). Cytogenetic location: 1q31.3.
Variant type: single nucleotide variant.
Coding change: c.3137G>A on transcript NM_198503.5 (MANE Select); coding-DNA position 3137, G replaced by A.
Protein change: p.Arg1046Lys; replaces arginine 1046 with lysine.
Molecular consequence: missense variant. On other transcripts: non-coding transcript variant (2).
Genome position (GRCh38, 1-based): chr1:196,258,268, C>T on the plus strand (G>A on the coding strand, the complement: KCNT2 is on the minus strand). VCF-style: chr1-196258268-C-T. GRCh37 (hg19) VCF-style: chr1-196227398-C-T.
Other names: c.3065G>A, p.Arg1022Lys (NM_001287819.3); c.2936G>A, p.Arg979Lys (NM_001287820.3); short protein forms R1022K, R1046K, R979K.
Identifiers: ClinVar variation 4056530 (VCV004056530.1).
Genomic context (GRCh38, chr1:196,258,268, plus strand): 5'-GAAAGACCCAAGTGTTTCATTCTATTTTTCACAAGTTCAGCAAGCTCTTGTCTTTCTGAC[C>T]TCCTGTAGAGGTTCAGTCGCTGCTGGGTTATTTTTTCAGCTGTTTTACCAGAGTGTTTTG-3'
Protein context (NP_940905.2, residues 1036-1056): ITQQRLNLYR[Arg1046Lys]SERQELAELV

ClinVar aggregate classification (germline): Uncertain significance (1 of 4 stars; one submission).

Conditions:
Developmental and epileptic encephalopathy, 57. Also called: EPILEPTIC ENCEPHALOPATHY, EARLY INFANTILE, 57. Identifiers: MedGen C4540411, MONDO:0033366, OMIM 617771.

gnomAD v4.1: 1 of 1,614,048 alleles (0.000062%); highest among the groups gnomAD compares: Non-Finnish European, 0.000085%; no homozygotes.

Submission:

Laboratorio de Genetica e Diagnostico Molecular, Hospital Israelita Albert Einstein
Classification: Uncertain significance for Developmental and epileptic encephalopathy, 57. Last evaluated: 2022-12-22. Review status: criteria provided, single submitter. Criteria: ACMG Guidelines, 2015. Collection method: clinical testing. Allele origin: germline. Affected: yes.
Comment: ACMG classification criteria: PM2 supporting, BP4 supporting